The following is an entry in ClinVar:

NM_000277.3(PAH):c.442-1377_509+226del

Gene: PAH (phenylalanine hydroxylase; minus strand). Cytogenetic location: 12q23.2.
Variant type: Deletion.
Coding change: c.442-1377_509+226del on transcript NM_000277.3 (MANE Select); 1377 bases into the intron before coding-DNA position 442 through 226 bases into the intron after coding-DNA position 509, 1,671 bases deleted.
Molecular consequence: splice acceptor variant, splice donor variant.
Genome position (GRCh38, 1-based): chr12:102,866,370-102,868,040, 1,671 bases deleted. GRCh37 (hg19): chr12:103,260,150-103,261,820.
Other names: c.442-1377_509+226del (NM_001354304.2).
Identifiers: ClinVar variation 1065382 (VCV001065382.1), ClinGen allele CA916084427.

ClinVar aggregate classification (germline): Pathogenic (3 of 4 stars; one submission).

Conditions:
Phenylketonuria (PKU). Also called: Phenylketonurias; Phenylketonuria (PKU); OLIGOPHRENIA PHENYLPYRUVICA; FOLLING DISEASE. Identifiers: Orphanet 716, MedGen C0031485, MONDO:0009861, OMIM 261600. Disease mechanism: loss of function.

Submission:

ClinGen PAH Variant Curation Expert Panel
Classification: Pathogenic for Phenylketonuria. Last evaluated: 2020-06-04. Review status: reviewed by expert panel. Criteria: ClinGen PAH ACMG Specifications v1. Collection method: curation. Allele origin: germline. Inheritance: Autosomal recessive inheritance.
Comment: The p.Ex5del1670 (c.442-1377_509+226del1671) is a 1670bp deletion in Exon 5 of PAH, and is predicted to lead to a frameshift at His170, premature protein truncation, and NMD (PVS1). It is absent from ethnically diverse control databases, including gnomAD (structural variant version, gnomAD SVs v2.1) (PM2). It has been previously reported in one patient with PKU (BH4 deficiency excluded by sequencing of the genes in the BH4 cofactor metabolism pathway) (PP4_Moderate) (PMID: 23942198) in presumed trans with the p.A313V variant (Pathogenic per PAH VCEP) (0.5 points; PM3_Supporting). Classification: Pathogenic Supporting Criteria: PVS1; PM2; PM3_Supporting; PP4_Moderate